The following is an entry in ClinVar:

NM_000443.4(ABCB4):c.3683_3688del (p.Val1228_Ile1229del)

Gene: ABCB4 (ATP binding cassette subfamily B member 4; minus strand). Cytogenetic location: 7q21.12.
Variant type: Deletion.
Coding change: c.3683_3688del on transcript NM_000443.4 (MANE Select); coding-DNA positions 3683 to 3688, 6 bases deleted (TGATTG; older notation c.3683_3688delTGATTG).
Protein change: p.Val1228_Ile1229del.
Genome position (GRCh38, 1-based): chr7:87,402,248-87,402,253, CAATCA deleted on the plus strand (TGATTG on the coding strand, the reverse complement: ABCB4 is on the minus strand); deleting any 6 consecutive bases within chr7:87,402,248-87,402,257 gives the same sequence; the c. name uses the placement nearest the transcript's 3' end. VCF-style (leftmost placement, unchanged base first): chr7-87402247-GCAATCA-G. GRCh37 (hg19) VCF-style: chr7-87031563-GCAATCA-G.
Other names: c.3704_3709del, p.Val1235_Ile1236del (NM_018849.3); c.3542_3547del, p.Val1181_Ile1182del (NM_018850.3).
Identifiers: ClinVar variation 4846652 (VCV004846652.1).
Genomic context (GRCh38, chr7:87,402,247, plus strand): 5'-ACTCTCCCATTCTGAAACACCACTATTAAGTCTGCATTCTGGATGGTGGACAGGCGGTGA[GCAATCA>G]CAATGCAGGTGCGGCCTTCTCTGGCTTTGTCCAGGGCTTCTTGGACAACCTATTGATAAA-3'

ClinVar aggregate classification (germline): Uncertain significance (1 of 4 stars; one submission).

Conditions:
Low phospholipid associated cholelithiasis (GBD1). Also called: Gallbladder disease 1; Gallstone cholecystitis. Identifiers: Orphanet 69663, MedGen C2609268, MONDO:0010939, OMIM 600803.

Submission:

Genomenon, Inc
Classification: Uncertain significance for Low phospholipid associated cholelithiasis. Last evaluated: 2026-04-14. Review status: criteria provided, single submitter. Criteria: Genomenon Sequence Variant Interpretation Standards - Updated. Collection method: curation. Allele origin: germline. Affected: yes.
Comment: ABCB4 p.Val1228_Ile1229del (c.3683_3688del) is an in-frame deletion variant that results in the deletion of two amino acids, Valine at position 1228 and Isoleucine at position 1229. This variant has been observed in at least one proband with an ABCB4-related disorder (PMID:23533021). It is absent or not present at a significant frequency in gnomAD. In conclusion, we classify ABCB4 p.Val1228_Ile1229del (c.3683_3688del) as a variant of uncertain significance.

Literature cited by the submitters: PubMed 23533021.